The following is an entry in ClinVar:

NM_004336.5(BUB1):c.2807A>T (p.Asp936Val)

Gene: BUB1 (BUB1 mitotic checkpoint serine/threonine kinase; minus strand). Cytogenetic location: 2q13.
Variant type: single nucleotide variant.
Coding change: c.2807A>T on transcript NM_004336.5 (MANE Select); coding-DNA position 2807, A replaced by T.
Protein change: p.Asp936Val; replaces aspartic acid 936 with valine.
Molecular consequence: missense variant.
Genome position (GRCh38, 1-based): chr2:110,641,182, T>A on the plus strand (A>T on the coding strand, the complement: BUB1 is on the minus strand). VCF-style: chr2-110641182-T-A. GRCh37 (hg19) VCF-style: chr2-111398759-T-A.
Other names: c.2747A>T, p.Asp916Val (NM_001278616.2); c.2636A>T, p.Asp879Val (NM_001278617.2); short protein forms D936V, D879V, D916V.
Identifiers: ClinVar variation 2560904 (VCV002560904.4), dbSNP rs767678176, ClinGen allele CA1827710.
Genomic context (GRCh38, chr2:110,641,182, plus strand): 5'-AAAAGTTTCATATCTATACTCTGACCCAGGTCAATCAGTGCCAAGCCAGCAGATAAATCA[T>A]CTTCATCATCCTGTTCCAAAAATCTATATTAAACACAAACAAAGCCAGGCTGCATGAGCA-3'
Protein context (NP_004327.1, residues 926-946): GNGFLEQDDE[Asp936Val]DLSAGLALID

ClinVar aggregate classification (germline): Uncertain significance. Review status: criteria provided, multiple submitters, no conflicts (2 of 4 stars). 2 submissions from 2 submitters: Uncertain significance (2). Last evaluated 2024-04-30.

Allele frequency attached by ClinVar (database versions not stated): gnomAD exomes 0.00001; ExAC 0.00006.
gnomAD v4.1: 9 of 1,605,426 alleles (0.00056%); highest among the groups gnomAD compares: Non-Finnish European, 0.00068%; no homozygotes.

Submissions (2):

Labcorp Genetics (formerly Invitae), Labcorp
Classification: Uncertain significance. Last evaluated: 2024-04-30. Review status: criteria provided, single submitter. Criteria: Invitae Variant Classification Sherloc (09022015). Collection method: clinical testing. Allele origin: germline.
Comment: This sequence change replaces aspartic acid, which is acidic and polar, with valine, which is neutral and non-polar, at codon 936 of the BUB1 protein (p.Asp936Val). This variant is present in population databases (rs767678176, gnomAD 0.006%). This variant has not been reported in the literature in individuals affected with BUB1-related conditions. ClinVar contains an entry for this variant (Variation ID: 2560904). Experimental studies and prediction algorithms are not available or were not evaluated, and the functional significance of this variant is currently unknown. In summary, the available evidence is currently insufficient to determine the role of this variant in disease. Therefore, it has been classified as a Variant of Uncertain Significance.

Ambry Genetics
Classification: Uncertain significance. Last evaluated: 2023-03-22. Review status: criteria provided, single submitter. Criteria: Ambry Variant Classification Scheme 2023. Collection method: clinical testing. Allele origin: germline.
Comment: The p.D936V variant (also known as c.2807A>T), located in coding exon 23 of the BUB1 gene, results from an A to T substitution at nucleotide position 2807. The aspartic acid at codon 936 is replaced by valine, an amino acid with highly dissimilar properties. This amino acid position is conserved. In addition, this alteration is predicted to be tolerated by in silico analysis. Since supporting evidence is limited at this time, the clinical significance of this alteration remains unclear.